The following is an entry in ClinVar:

ClinVar aggregate classification (germline): Uncertain significance. Review status: criteria provided, multiple submitters, no conflicts (2 of 4 stars). 4 submissions from 4 submitters: Uncertain significance (3). 1 of the submissions does not count toward it. Last evaluated 2025-08-15.

Conditions:
AGL-related disorder. Also called: AGL-related condition.
Glycogen storage disease type III (GSD3). Also called: FORBES DISEASE; Cori disease. Identifiers: Orphanet 366, MedGen C0017922, MONDO:0009291, OMIM 232400.

Allele frequency attached by ClinVar (database versions not stated): TOPMed 0.00009; gnomAD exomes 0.00010; ExAC 0.00011; gnomAD 0.00005 and 0.00007; ESP Exome Variant Server 0.00008.
gnomAD v4.1: 207 of 1,613,276 alleles (0.013%); highest among the groups gnomAD compares: Non-Finnish European, 0.016%; no homozygotes.

Submissions (4):

PreventionGenetics, part of Exact Sciences
Classification: Uncertain significance for AGL-related condition. Last evaluated: 2025-08-15. Review status: criteria provided, single submitter. Criteria: ACMG Guidelines, 2015. Collection method: clinical testing. Allele origin: germline.
Comment: The AGL c.2729G>A variant is predicted to result in the amino acid substitution p.Arg910Gln. To our knowledge, this variant has not been reported in the literature. This variant is reported in 0.018% of alleles in individuals of European (Non-Finnish) descent in gnomAD. At this time, the clinical significance of this variant is uncertain due to the absence of conclusive functional and genetic evidence.

GeneDx
Classification: Uncertain significance. Last evaluated: 2024-06-03. Review status: criteria provided, single submitter. Criteria: GeneDx Variant Classification Process June 2021. Collection method: clinical testing. Allele origin: germline. Affected: yes.
Comment: In silico analysis supports that this missense variant has a deleterious effect on protein structure/function; Has not been previously published as pathogenic or benign to our knowledge

Labcorp Genetics (formerly Invitae), Labcorp
Classification: Uncertain significance for Glycogen storage disease type III. Last evaluated: 2022-08-31. Review status: criteria provided, single submitter. Criteria: Invitae Variant Classification Sherloc (09022015). Collection method: clinical testing. Allele origin: germline.
Comment: This sequence change replaces arginine, which is basic and polar, with glutamine, which is neutral and polar, at codon 910 of the AGL protein (p.Arg910Gln). This variant is present in population databases (rs369044372, gnomAD 0.02%). This variant has not been reported in the literature in individuals affected with AGL-related conditions. ClinVar contains an entry for this variant (Variation ID: 966286). Algorithms developed to predict the effect of missense changes on protein structure and function are either unavailable or do not agree on the potential impact of this missense change (SIFT: "Tolerated"; PolyPhen-2: "Possibly Damaging"; Align-GVGD: "Class C0"). In summary, the available evidence is currently insufficient to determine the role of this variant in disease. Therefore, it has been classified as a Variant of Uncertain Significance.

Natera, Inc.
Classification: Uncertain significance for Glycogen storage disease type III. Last evaluated: 2020-06-05. Review status: no assertion criteria provided. Collection method: clinical testing. Allele origin: germline. Not counted in ClinVar's aggregate classification.

NM_000642.3(AGL):c.2729G>A (p.Arg910Gln)

Gene: AGL (amylo-alpha-1,6-glucosidase and 4-alpha-glucanotransferase; plus strand). Cytogenetic location: 1p21.2.
Variant type: single nucleotide variant.
Coding change: c.2729G>A on transcript NM_000642.3 (MANE Select); coding-DNA position 2729, G replaced by A.
Protein change: p.Arg910Gln; replaces arginine 910 with glutamine.
Molecular consequence: missense variant.
Genome position (GRCh38, 1-based): chr1:99,888,025, G>A. VCF-style: chr1-99888025-G-A. GRCh37 (hg19) VCF-style: chr1-100353581-G-A.
Other names: c.2729G>A, p.Arg910Gln (NM_000028.3, NM_000643.3, NM_000644.3 and 2 more transcripts); c.2681G>A, p.Arg894Gln (NM_000646.3); c.2528G>A, p.Arg843Gln (NM_001425327.1); c.2525G>A, p.Arg842Gln (NM_001425328.1); c.2390G>A, p.Arg797Gln (NM_001425329.1); c.2351G>A, p.Arg784Gln (NM_001425332.1); short protein forms R894Q, R910Q, R784Q, R797Q, R842Q, R843Q.
Identifiers: ClinVar variation 966286 (VCV000966286.9), dbSNP rs369044372, ClinGen allele CA966880.